The following is an entry in ClinVar:

NM_018255.4(ELP2):c.523+720C>T

Gene: ELP2 (elongator acetyltransferase complex subunit 2; plus strand). Cytogenetic location: 18q12.2.
Variant type: single nucleotide variant.
Coding change: c.523+720C>T on transcript NM_018255.4 (MANE Select); 720 bases into the intron after coding-DNA position 523, C replaced by T.
Molecular consequence: intron variant. On other transcripts: missense variant (3).
Genome position (GRCh38, 1-based): chr18:36,139,592, C>T. VCF-style: chr18-36139592-C-T. GRCh37 (hg19) VCF-style: chr18-33719555-C-T.
Other names: c.697C>T, p.Leu233Phe (NM_001242875.3); c.619C>T, p.Leu207Phe (NM_001242876.3, NM_001324466.2); c.523+720C>T (NM_001324467.2, NM_001324465.2); c.445+1166C>T (NM_001242877.3, NM_001242878.3, NM_001242879.3); c.76+720C>T (NM_001324468.2); short protein forms L207F, L233F.
Identifiers: ClinVar variation 784750 (VCV000784750.6), dbSNP rs113602311, ClinGen allele CA298660945.

ClinVar aggregate classification (germline): Likely benign. Review status: criteria provided, single submitter (1 of 4 stars). 2 submissions from 2 submitters: Likely benign (1). 1 of the submissions does not count toward it. Last evaluated 2019-12-31.

Conditions:
ELP2-related disorder. Also called: ELP2-Related Disorders; ELP2-related condition.

Allele frequency attached by ClinVar (database versions not stated): gnomAD 0.00008; gnomAD exomes 0.00009 and 0.00078; 1000 Genomes Project 30x 0.00016; 1000 Genomes Project 0.00020; TOPMed 0.00027.
gnomAD v4.1: 131 of 1,534,646 alleles (0.0085%); highest among the groups gnomAD compares: Admixed American, 0.24%; no homozygotes.

Submissions (2):

Labcorp Genetics (formerly Invitae), Labcorp
Classification: Likely benign. Last evaluated: 2019-12-31. Review status: criteria provided, single submitter. Criteria: Invitae Variant Classification Sherloc (09022015). Collection method: clinical testing. Allele origin: germline.

PreventionGenetics, part of Exact Sciences
Classification: Likely benign for ELP2-related condition. Last evaluated: 2022-07-28. Review status: no assertion criteria provided. Collection method: clinical testing. Allele origin: germline. Not counted in ClinVar's aggregate classification.
Comment: This variant is classified as likely benign based on ACMG/AMP sequence variant interpretation guidelines (Richards et al. 2015 PMID: 25741868, with internal and published modifications).